The following is an entry in ClinVar:

ClinVar aggregate classification (germline): Uncertain significance (1 of 4 stars; one submission).

Allele frequency attached by ClinVar (database versions not stated): gnomAD exomes 0.00001.
gnomAD v4.1: 4 of 1,614,150 alleles (0.00025%); highest among the groups gnomAD compares: Non-Finnish European, 0.00025%; no homozygotes.

Submission:

Labcorp Genetics (formerly Invitae), Labcorp
Classification: Uncertain significance. Last evaluated: 2022-04-29. Review status: criteria provided, single submitter. Criteria: Invitae Variant Classification Sherloc (09022015). Collection method: clinical testing. Allele origin: germline.
Comment: This sequence change replaces phenylalanine, which is neutral and non-polar, with leucine, which is neutral and non-polar, at codon 429 of the ADAMTSL4 protein (p.Phe429Leu). This variant is present in population databases (no rsID available, gnomAD 0.0009%). This variant has not been reported in the literature in individuals affected with ADAMTSL4-related conditions. Algorithms developed to predict the effect of missense changes on protein structure and function are either unavailable or do not agree on the potential impact of this missense change (SIFT: "Deleterious"; PolyPhen-2: "Probably Damaging"; Align-GVGD: "Class C15"). In summary, the available evidence is currently insufficient to determine the role of this variant in disease. Therefore, it has been classified as a Variant of Uncertain Significance.

NM_019032.6(ADAMTSL4):c.1285T>C (p.Phe429Leu)

Genes: ADAMTSL4 (ADAMTS like 4; plus strand), ADAMTSL4-AS2 (ADAMTSL4 antisense RNA 2; minus strand). Cytogenetic location: 1q21.2.
Variant type: single nucleotide variant.
Coding change: c.1285T>C on transcript NM_019032.6 (MANE Select); coding-DNA position 1285, T replaced by C.
Protein change: p.Phe429Leu; replaces phenylalanine 429 with leucine.
Molecular consequence: missense variant.
Genome position (GRCh38, 1-based): chr1:150,555,479, T>C. VCF-style: chr1-150555479-T-C. GRCh37 (hg19) VCF-style: chr1-150527955-T-C.
Other names: c.1354T>C, p.Phe452Leu (NM_001288607.2, NM_001288608.2); c.1285T>C, p.Phe429Leu (NM_001378596.1, NM_025008.5); short protein forms F452L, F429L.
Identifiers: ClinVar variation 2164593 (VCV002164593.1), dbSNP rs1161363539, ClinGen allele CA342307273.